The following is an entry in ClinVar:

ClinVar aggregate classification (germline): Likely pathogenic (1 of 4 stars; one submission).

Conditions:
Ehlers-Danlos syndrome, type 4 (EDSVASC). Also called: Ehlers-Danlos Syndrome Type IV; Ehlers-Danlos syndrome vascular type; Ehlers Danlos syndrome, ecchymotic type; Ehlers Danlos syndrome, arterial type; Ehlers Danlos syndrome, Sack-Barabas type. Identifiers: Orphanet 286, MedGen C0268338, MONDO:0017314, OMIM 130050.

Submission:

Labcorp Genetics (formerly Invitae), Labcorp
Classification: Likely pathogenic for Ehlers-Danlos syndrome, type 4. Last evaluated: 2024-06-13. Review status: criteria provided, single submitter. Criteria: Invitae Variant Classification Sherloc (09022015). Collection method: clinical testing. Allele origin: germline.
Comment: This sequence change replaces glycine, which is neutral and non-polar, with arginine, which is basic and polar, at codon 384 of the COL3A1 protein (p.Gly384Arg). This variant is not present in population databases (gnomAD no frequency). This missense change has been observed in individual(s) with vascular Ehlers-Danlos syndrome (Invitae). Experimental studies and prediction algorithms are not available or were not evaluated, and the functional significance of this variant is currently unknown. Algorithms developed to predict the effect of sequence changes on RNA splicing suggest that this variant may disrupt the consensus splice site. This variant disrupts the triple helix domain of COL3A1. Glycine residues within the Gly-Xaa-Yaa repeats of the triple helix domain are required for the structure and stability of fibrillar collagens (PMID: 7695699, 8218237, 19344236). In COL3A1, variants that affect these glycine residues are significantly enriched in individuals with disease (PMID: 24922459, 25758994) compared to the general population (ExAC). This variant disrupts the p.Gly384 amino acid residue in COL3A1. Other variant(s) that disrupt this residue have been observed in individuals with COL3A1-related conditions (PMID: 20518783; Invitae), which suggests that this may be a clinically significant amino acid residue. In summary, the currently available evidence indicates that the variant is pathogenic, but additional data are needed to prove that conclusively. Therefore, this variant has been classified as Likely Pathogenic.

Literature cited by the submitters: PubMed 7695699; PubMed 8218237; PubMed 19344236; PubMed 24922459; PubMed 25758994; PubMed 20518783.

NM_000090.4(COL3A1):c.1150G>C (p.Gly384Arg)

Gene: COL3A1 (collagen type III alpha 1 chain; plus strand). Cytogenetic location: 2q32.2.
Variant type: single nucleotide variant.
Coding change: c.1150G>C on transcript NM_000090.4 (MANE Select); coding-DNA position 1150, G replaced by C.
Protein change: p.Gly384Arg; replaces glycine 384 with arginine.
Molecular consequence: missense variant.
Genome position (GRCh38, 1-based): chr2:188,994,038, G>C. VCF-style: chr2-188994038-G-C. GRCh37 (hg19) VCF-style: chr2-189858764-G-C.
Other names: short protein forms G384R.
Identifiers: ClinVar variation 2733896 (VCV002733896.3), dbSNP rs1459137122, ClinGen allele CA349851112.
Genomic context (GRCh38, chr2:188,994,038, plus strand): 5'-CAAATATATACGAACTATTTGCATTACTATTAATACATTATCTGTTTTTTGTATACTTAG[G>C]GCCCTCCTGGGATTAATGGTAGTCCTGGTGGTAAAGGCGAAATGGTAAGCTGTCCCCACT-3'
Protein context (NP_000081.2, residues 374-394): QGHAGAQGPP[Gly384Arg]PPGINGSPGG